The following is an entry in ClinVar:

NM_016616.5(NME8):c.952A>G (p.Thr318Ala)

Gene: NME8 (NME/NM23 family member 8; plus strand). Cytogenetic location: 7p14.1.
Variant type: single nucleotide variant.
Coding change: c.952A>G on transcript NM_016616.5 (MANE Select); coding-DNA position 952, A replaced by G.
Protein change: p.Thr318Ala; replaces threonine 318 with alanine.
Molecular consequence: missense variant.
Genome position (GRCh38, 1-based): chr7:37,876,965, A>G. VCF-style: chr7-37876965-A-G. GRCh37 (hg19) VCF-style: chr7-37916567-A-G.
Other names: short protein forms T318A.
Identifiers: ClinVar variation 4761156 (VCV004761156.1).

ClinVar aggregate classification (germline): Uncertain significance (1 of 4 stars; one submission).

Conditions:
Primary ciliary dyskinesia 6. Also called: Primary Ciliary Dyskinesia 6: TXNDC3-Related Primary Ciliary Dyskinesia. Identifiers: Orphanet 244, MedGen C1970506, MONDO:0012571, OMIM 610852.

gnomAD v4.1: 1 of 1,613,350 alleles (0.000062%); highest among the groups gnomAD compares: Non-Finnish European, 0.000085%; no homozygotes.

Submission:

Labcorp Genetics (formerly Invitae), Labcorp
Classification: Uncertain significance for Primary ciliary dyskinesia 6. Last evaluated: 2026-01-26. Review status: criteria provided, single submitter. Criteria: Invitae Variant Classification Sherloc (09022015). Collection method: clinical testing. Allele origin: germline.
Comment: This sequence change replaces threonine, which is neutral and polar, with alanine, which is neutral and non-polar, at codon 318 of the NME8 protein (p.Thr318Ala). This variant is not present in population databases (gnomAD no frequency). This variant has not been reported in the literature in individuals affected with NME8-related conditions. Invitae Evidence Modeling of protein sequence and biophysical properties (such as structural, functional, and spatial information, amino acid conservation, physicochemical variation, residue mobility, and thermodynamic stability) indicates that this missense variant is not expected to disrupt NME8 protein function with a negative predictive value of 80%. In summary, the available evidence is currently insufficient to determine the role of this variant in disease. Therefore, it has been classified as a Variant of Uncertain Significance.